The following is an entry in ClinVar:

NM_201384.3(PLEC):c.2143G>C (p.Glu715Gln)

Gene: PLEC (plectin; minus strand). Cytogenetic location: 8q24.3.
Variant type: single nucleotide variant.
Coding change: c.2143G>C on transcript NM_201384.3 (MANE Select); coding-DNA position 2143, G replaced by C.
Protein change: p.Glu715Gln; replaces glutamic acid 715 with glutamine.
Molecular consequence: missense variant.
Genome position (GRCh38, 1-based): chr8:143,931,972, C>G on the plus strand (G>C on the coding strand, the complement: PLEC is on the minus strand). VCF-style: chr8-143931972-C-G. GRCh37 (hg19) VCF-style: chr8-145006140-C-G.
Other names: c.2224G>C, p.Glu742Gln (NM_000445.5, NM_001410941.1); c.2101G>C, p.Glu701Gln (NM_201378.4); c.2077G>C, p.Glu693Gln (NM_201379.3); c.2554G>C, p.Glu852Gln (NM_201380.4); c.2047G>C, p.Glu683Gln (NM_201381.3); c.2143G>C, p.Glu715Gln (NM_201382.4); c.2155G>C, p.Glu719Gln (NM_201383.3); short protein forms E742Q, E701Q, E715Q, E719Q, E683Q, E693Q, E852Q.
Identifiers: ClinVar variation 2938546 (VCV002938546.3), dbSNP rs369024560, ClinGen allele CA372576829.

ClinVar aggregate classification (germline): Uncertain significance (1 of 4 stars; one submission).

Conditions:
Epidermolysis bullosa simplex with nail dystrophy (EBS5D). Identifiers: MedGen C4225309, MONDO:0014661, OMIM 616487.
Epidermolysis bullosa simplex 5C, with pyloric atresia (EBS5C). Also called: PLEC-Related Epidermolysis Bullosa with Pyloric Atresia; Epidermolysis bullosa simplex with pyloric atresia; PLEC1-Related Epidermolysis Bullosa with Pyloric Atresia. Identifiers: Orphanet 158684, MedGen C2677349, MONDO:0012807, OMIM 612138.
Autosomal recessive limb-girdle muscular dystrophy type 2Q (LGMDR17). Also called: MUSCULAR DYSTROPHY, LIMB-GIRDLE, AUTOSOMAL RECESSIVE 17. Identifiers: Orphanet 254361, MedGen C3150989, MONDO:0013390, OMIM 613723.
Epidermolysis bullosa simplex, Ogna type (EBS5A). Also called: Pidermolysis bullosa simplex 5A, Ogna type; EPIDERMOLYSIS BULLOSA SIMPLEX 5A, OGNA TYPE. Identifiers: Orphanet 79401, MedGen C0432317, MONDO:0007555, OMIM 131950.
Epidermolysis bullosa simplex 5B, with muscular dystrophy (EBS5B). Also called: EPIDERMOLYSIS BULLOSA SIMPLEX AND LIMB-GIRDLE MUSCULAR DYSTROPHY; Epidermolysis bullosa simplex with muscular dystrophy. Identifiers: Orphanet 257, MedGen C2931072, MONDO:0009181, OMIM 226670.

Submission:

Labcorp Genetics (formerly Invitae), Labcorp
Classification: Uncertain significance for Autosomal recessive limb-girdle muscular dystrophy type 2Q; Epidermolysis bullosa simplex, Ogna type; Epidermolysis bullosa simplex with nail dystrophy; Epidermolysis bullosa simplex 5C, with pyloric atresia; Epidermolysis bullosa simplex 5B, with muscular dystrophy. Last evaluated: 2024-01-25. Review status: criteria provided, single submitter. Criteria: Invitae Variant Classification Sherloc (09022015). Collection method: clinical testing. Allele origin: germline.
Comment: This sequence change replaces glutamic acid, which is acidic and polar, with glutamine, which is neutral and polar, at codon 742 of the PLEC protein (p.Glu742Gln). The frequency data for this variant in the population databases is considered unreliable, as metrics indicate poor data quality at this position in the gnomAD database. This variant has not been reported in the literature in individuals affected with PLEC-related conditions. Advanced modeling of protein sequence and biophysical properties (such as structural, functional, and spatial information, amino acid conservation, physicochemical variation, residue mobility, and thermodynamic stability) performed at Invitae indicates that this missense variant is not expected to disrupt PLEC protein function with a negative predictive value of 80%. In summary, the available evidence is currently insufficient to determine the role of this variant in disease. Therefore, it has been classified as a Variant of Uncertain Significance.